The following is an entry in ClinVar:

NM_004453.4(ETFDH):c.528G>T (p.Leu176Phe)

Gene: ETFDH (electron transfer flavoprotein dehydrogenase; plus strand). Cytogenetic location: 4q32.1.
Variant type: single nucleotide variant.
Coding change: c.528G>T on transcript NM_004453.4 (MANE Select); coding-DNA position 528, G replaced by T.
Protein change: p.Leu176Phe; replaces leucine 176 with phenylalanine.
Molecular consequence: missense variant.
Genome position (GRCh38, 1-based): chr4:158,685,141, G>T. VCF-style: chr4-158685141-G-T. GRCh37 (hg19) VCF-style: chr4-159606293-G-T.
Other names: c.387G>T, p.Leu129Phe (NM_001281737.2); c.345G>T, p.Leu115Phe (NM_001281738.1); short protein forms L115F, L129F, L176F.
Identifiers: ClinVar variation 4067440 (VCV004067440.2).

ClinVar aggregate classification (germline): Likely pathogenic (1 of 4 stars; one submission).

Conditions:
Glutaric acidemia type 2C.

Submission:

Natera, Inc.
Classification: Likely pathogenic for Glutaric acidemia type 2C. Last evaluated: 2025-05-15. Review status: criteria provided, single submitter. Criteria: Natera Variant Classification Schema (03/2026). Collection method: clinical testing. Allele origin: germline.
Comment: The c.528G>T variant in ETFDH is a missense variant predicted to cause substitution of leucine to phenylalanine at amino acid 176. This variant is rare in the general population with a frequency below the threshold expected for the associated phenotype(s). Another variant at this same site results in an alteration predicted to cause a similar molecular effect has been observed in individual(s) with the associated phenotype. Computational prediction algorithms indicate this variant is likely to affect gene or protein function. Given the available evidence, this variant is classified as Likely Pathogenic.